The following is an entry in ClinVar:

NM_001244008.2(KIF1A):c.1393C>T (p.Arg465Trp)

Gene: KIF1A (kinesin family member 1A; minus strand). Cytogenetic location: 2q37.3.
Variant type: single nucleotide variant.
Coding change: c.1393C>T on transcript NM_001244008.2 (MANE Select); coding-DNA position 1393, C replaced by T.
Protein change: p.Arg465Trp; replaces arginine 465 with tryptophan.
Molecular consequence: missense variant.
Genome position (GRCh38, 1-based): chr2:240,769,655, G>A on the plus strand (C>T on the coding strand, the complement: KIF1A is on the minus strand). VCF-style: chr2-240769655-G-A. GRCh37 (hg19) VCF-style: chr2-241709072-G-A.
Other names: p.R456W; c.1393C>T, p.Arg465Trp (NM_001320705.2, NM_001330289.2, NM_001379638.1); c.1468C>T, p.Arg490Trp (NM_001330290.2, NM_001379631.1, NM_001379634.1 and 2 more transcripts); c.1366C>T, p.Arg456Trp (NM_001379632.1, NM_001379633.1, NM_001379636.1 and 10 more transcripts); c.1441C>T, p.Arg481Trp (NM_001379637.1, NM_001379648.1); c.1366C>T (NM_004321.7, NM_004321.6); short protein forms R481W, R465W, R456W, R490W.
Identifiers: ClinVar variation 1418101 (VCV001418101.12), dbSNP rs748516266, ClinGen allele CA2208419.

ClinVar aggregate classification (germline): Uncertain significance. Review status: criteria provided, multiple submitters, no conflicts (2 of 4 stars). 4 submissions from 4 submitters: Uncertain significance (4). Last evaluated 2025-10-01.

Conditions:
Hereditary spastic paraplegia 30. Identifiers: Orphanet 101010, MedGen C5235139, MONDO:0012476.
Neuropathy, hereditary sensory, type 2C. Also called: Hereditary sensory and autonomic neuropathy type IIC; KIF1A-Related HSAN2 (HSAN2C). Identifiers: Orphanet 970, MedGen C3280168, MONDO:0013634, OMIM 614213.
Intellectual disability, autosomal dominant 9 (NESCAVS). Also called: NESCAV SYNDROME; KIF1A-Related Neurodevelopmental Disorder. Identifiers: Orphanet 662367, MedGen C5393830, MONDO:0013656, OMIM 614255.

Allele frequency attached by ClinVar (database versions not stated): gnomAD 0.00001; TOPMed 0.00001; 1000 Genomes Project 30x 0.00016.
gnomAD v4.1: 6 of 1,613,348 alleles (0.00037%); highest among the groups gnomAD compares: Middle Eastern, 0.017%; no homozygotes.

Submissions (4):

Labcorp Genetics (formerly Invitae), Labcorp
Classification: Uncertain significance for Hereditary spastic paraplegia 30; Neuropathy, hereditary sensory, type 2C; Intellectual disability, autosomal dominant 9. Last evaluated: 2025-10-01. Review status: criteria provided, single submitter. Criteria: Invitae Variant Classification Sherloc (09022015). Collection method: clinical testing. Allele origin: germline.
Comment: This sequence change replaces arginine, which is basic and polar, with tryptophan, which is neutral and slightly polar, at codon 456 of the KIF1A protein (p.Arg456Trp). This variant is present in population databases (rs748516266, gnomAD 0.0009%). This missense change has been observed in individual(s) with KIF1A-related conditions (PMID: 31785789, 33057194, 35982159). ClinVar contains an entry for this variant (Variation ID: 1418101). Invitae Evidence Modeling of protein sequence and biophysical properties (such as structural, functional, and spatial information, amino acid conservation, physicochemical variation, residue mobility, and thermodynamic stability) indicates that this missense variant is expected to disrupt KIF1A protein function with a positive predictive value of 95%. In summary, the available evidence is currently insufficient to determine the role of this variant in disease. Therefore, it has been classified as a Variant of Uncertain Significance.

GeneDx
Classification: Uncertain significance. Last evaluated: 2024-11-26. Review status: criteria provided, single submitter. Criteria: GeneDx Variant Classification Process June 2021. Collection method: clinical testing. Allele origin: germline. Affected: yes.
Comment: Observed de novo with confirmed parentage in patients with developmental disorders; however detailed clinical information was not provided (PMID: 31785789, 33057194, 35982159); In silico analysis supports that this missense variant has a deleterious effect on protein structure/function; This variant is associated with the following publications: (PMID: 35982159, 31785789, 33057194)

Revvity Omics, Revvity
Classification: Uncertain significance. Last evaluated: 2021-08-13. Review status: criteria provided, single submitter. Criteria: ACMG Guidelines, 2015. Collection method: clinical testing. Allele origin: germline.

Mayo Clinic Laboratories, Mayo Clinic
Classification: Uncertain significance. Last evaluated: 2017-06-18. Review status: criteria provided, single submitter. Criteria: ACMG Guidelines, 2015. Collection method: clinical testing. Allele origin: germline.

Literature cited by the submitters: PubMed 31785789 (cited by Labcorp Genetics (formerly Invitae), Labcorp); PubMed 33057194 (cited by Labcorp Genetics (formerly Invitae), Labcorp); PubMed 35982159 (cited by Labcorp Genetics (formerly Invitae), Labcorp).